The following is an entry in ClinVar:

ClinVar aggregate classification (germline): Uncertain significance. Review status: criteria provided, multiple submitters, no conflicts (2 of 4 stars). 3 submissions from 3 submitters: Uncertain significance (3). Last evaluated 2026-04-07.

Conditions:
Progressive sclerosing poliodystrophy (MTDPS4A). Also called: Mitochondrial DNA Depletion Syndrome 4A; Mitochondrial DNA depletion syndrome 4A (Alpers type); ALPERS PROGRESSIVE INFANTILE POLIODYSTROPHY; Alpers-Huttenlocher Syndrome (AHS); NEURONAL DEGENERATION OF CHILDHOOD WITH LIVER DISEASE, PROGRESSIVE; Alpers Syndrome. Identifiers: Orphanet 726, MedGen C0205710, MONDO:0008758, OMIM 203700.

Allele frequency attached by ClinVar (database versions not stated): gnomAD 0.00001; ESP Exome Variant Server 0.00008; TOPMed 0.00001; ExAC 0.00001; gnomAD exomes 0.00001.
gnomAD v4.1: 4 of 1,614,036 alleles (0.00025%); highest among the groups gnomAD compares: Admixed American, 0.0033%; no homozygotes.

Submissions (3):

GeneDx
Classification: Uncertain significance. Last evaluated: 2026-04-07. Review status: criteria provided, single submitter. Criteria: GeneDx Variant Classification Process June 2021. Collection method: clinical testing. Allele origin: germline.
Comment: Not observed at significant frequency in large population cohorts (gnomAD); In silico analysis supports that this missense variant has a deleterious effect on protein structure/function; Has not been previously published as pathogenic or benign to our knowledge

Labcorp Genetics (formerly Invitae), Labcorp
Classification: Uncertain significance for Progressive sclerosing poliodystrophy. Last evaluated: 2025-01-25. Review status: criteria provided, single submitter. Criteria: Invitae Variant Classification Sherloc (09022015). Collection method: clinical testing. Allele origin: germline.
Comment: This sequence change replaces asparagine, which is neutral and polar, with serine, which is neutral and polar, at codon 354 of the POLG protein (p.Asn354Ser). This variant is present in population databases (rs148697152, gnomAD 0.006%). This variant has not been reported in the literature in individuals affected with POLG-related conditions. ClinVar contains an entry for this variant (Variation ID: 1379606). Invitae Evidence Modeling of protein sequence and biophysical properties (such as structural, functional, and spatial information, amino acid conservation, physicochemical variation, residue mobility, and thermodynamic stability) indicates that this missense variant is expected to disrupt POLG protein function with a positive predictive value of 95%. In summary, the available evidence is currently insufficient to determine the role of this variant in disease. Therefore, it has been classified as a Variant of Uncertain Significance.

Athena Diagnostics
Classification: Uncertain significance. Last evaluated: 2022-06-13. Review status: criteria provided, single submitter. Criteria: Athena Diagnostics Criteria. Collection method: clinical testing. Allele origin: unknown.

NM_002693.3(POLG):c.1061A>G (p.Asn354Ser)

Gene: POLG (DNA polymerase gamma, catalytic subunit; minus strand). Cytogenetic location: 15q26.1.
Variant type: single nucleotide variant.
Coding change: c.1061A>G on transcript NM_002693.3 (MANE Select); coding-DNA position 1061, A replaced by G.
Protein change: p.Asn354Ser; replaces asparagine 354 with serine.
Molecular consequence: missense variant.
Genome position (GRCh38, 1-based): chr15:89,328,794, T>C on the plus strand (A>G on the coding strand, the complement: POLG is on the minus strand). VCF-style: chr15-89328794-T-C. GRCh37 (hg19) VCF-style: chr15-89872025-T-C.
Other names: c.1061A>G, p.Asn354Ser (NM_001126131.2); short protein forms N354S.
Identifiers: ClinVar variation 1379606 (VCV001379606.8), dbSNP rs148697152, ClinGen allele CA7724961.